The following is an entry in ClinVar:

NM_001267550.2(TTN):c.22714T>G (p.Leu7572Val)

Gene: TTN (titin; minus strand). Cytogenetic location: 2q31.2.
Variant type: single nucleotide variant.
Coding change: c.22714T>G on transcript NM_001267550.2 (MANE Select); coding-DNA position 22714, T replaced by G.
Protein change: p.Leu7572Val; replaces leucine 7572 with valine.
Molecular consequence: missense variant. On other transcripts: intron variant (3).
Genome position (GRCh38, 1-based): chr2:178,721,949, A>C on the plus strand (T>G on the coding strand, the complement: TTN is on the minus strand). VCF-style: chr2-178721949-A-C. GRCh37 (hg19) VCF-style: chr2-179586676-A-C.
Other names: c.21763T>G, p.Leu7255Val (NM_001256850.1); c.18982T>G, p.Leu6328Val (NM_133378.4); c.13282+16133T>G (NM_003319.4); c.13858+16133T>G (NM_133437.4); c.13657+16133T>G (NM_133432.3); short protein forms L6328V, L7255V, L7572V.
Identifiers: ClinVar variation 5040462 (VCV005040462.1).
Genomic context (GRCh38, chr2:178,721,949, plus strand): 5'-CATTGGTTGCTTGGCAAGTATATTGACCAGAGTCTCCTTTGCCTACTTTAAGAATTCTCA[A>C]ATGAGGAGTGTTTCCCACACATGTGATTGTATAGTTTCCTCCAGGACGGATCTCCTTGTT-3'
Protein context (NP_001254479.2, residues 7562-7582): TITCVGNTPH[Leu7572Val]RILKVGKGDS

ClinVar aggregate classification (germline): Uncertain significance (1 of 4 stars; one submission).

Submission:

CeGaT Center for Human Genetics Tuebingen
Classification: Uncertain significance. Last evaluated: 2026-08-01. Review status: criteria provided, single submitter. Criteria: CeGaT Center For Human Genetics Tuebingen Variant Classification Criteria Version 2. Collection method: clinical testing. Allele origin: germline. Affected: yes. Observed: 1 variant allele.
Comment: TTN: PM2, BP4